The following is an entry in ClinVar:

NM_001253697.2(ERBIN):c.2675C>T (p.Pro892Leu)

Gene: ERBIN (erbb2 interacting protein; plus strand). Cytogenetic location: 5q12.3.
Variant type: single nucleotide variant.
Coding change: c.2675C>T on transcript NM_001253697.2 (MANE Select); coding-DNA position 2675, C replaced by T.
Protein change: p.Pro892Leu; replaces proline 892 with leucine.
Molecular consequence: missense variant.
Genome position (GRCh38, 1-based): chr5:66,053,993, C>T. VCF-style: chr5-66053993-C-T. GRCh37 (hg19) VCF-style: chr5-65349821-C-T.
Other names: c.2675C>T, p.Pro892Leu (NM_001006600.3, NM_001253698.2, NM_001253699.2 and 1 more transcripts); c.2663C>T, p.Pro888Leu (NM_001253701.2); short protein forms P888L, P892L.
Identifiers: ClinVar variation 2818255 (VCV002818255.3), dbSNP rs2546812681, ClinGen allele CA359867390.

ClinVar aggregate classification (germline): Uncertain significance (1 of 4 stars; one submission).

Submission:

Labcorp Genetics (formerly Invitae), Labcorp
Classification: Uncertain significance. Last evaluated: 2022-12-03. Review status: criteria provided, single submitter. Criteria: Invitae Variant Classification Sherloc (09022015). Collection method: clinical testing. Allele origin: germline.
Comment: This sequence change replaces proline, which is neutral and non-polar, with leucine, which is neutral and non-polar, at codon 892 of the ERBIN protein (p.Pro892Leu). This variant is not present in population databases (gnomAD no frequency). This variant has not been reported in the literature in individuals affected with ERBIN-related conditions. Algorithms developed to predict the effect of missense changes on protein structure and function output the following: SIFT: "Tolerated"; PolyPhen-2: "Benign"; Align-GVGD: "Class C0". The leucine amino acid residue is found in multiple mammalian species, which suggests that this missense change does not adversely affect protein function. In summary, the available evidence is currently insufficient to determine the role of this variant in disease. Therefore, it has been classified as a Variant of Uncertain Significance.